The following is an entry in ClinVar:

NM_002778.4(PSAP):c.1049C>T (p.Pro350Leu)

Gene: PSAP (prosaposin; minus strand). Cytogenetic location: 10q22.1.
Variant type: single nucleotide variant.
Coding change: c.1049C>T on transcript NM_002778.4 (MANE Select); coding-DNA position 1049, C replaced by T.
Protein change: p.Pro350Leu; replaces proline 350 with leucine.
Molecular consequence: missense variant.
Genome position (GRCh38, 1-based): chr10:71,819,857, G>A on the plus strand (C>T on the coding strand, the complement: PSAP is on the minus strand). VCF-style: chr10-71819857-G-A. GRCh37 (hg19) VCF-style: chr10-73579614-G-A.
Other names: c.1049C>T (NM_002778.2); c.1058C>T, p.Pro353Leu (NM_001042465.3); c.1055C>T, p.Pro352Leu (NM_001042466.3); short protein forms P353L, P350L, P352L.
Identifiers: ClinVar variation 1413486 (VCV001413486.5), dbSNP rs201129306, ClinGen allele CA5547496.

ClinVar aggregate classification (germline): Uncertain significance. Review status: criteria provided, multiple submitters, no conflicts (2 of 4 stars). 4 submissions from 4 submitters: Uncertain significance (4). Last evaluated 2023-11-13.

Conditions:
Combined PSAP deficiency (PSAPD). Also called: COMBINED SAP DEFICIENCY; Encephalopathy due to prosaposin deficiency; PROSAPOSIN DEFICIENCY. Identifiers: Orphanet 139406, MedGen C2673635, MONDO:0012719, OMIM 611721.
Sphingolipid activator protein 1 deficiency. Also called: Saposin B Deficiency; Metachromatic leukodystrophy due to saposin B deficiency; METACHROMATIC LEUKODYSTROPHY DUE TO CEREBROSIDE SULFATASE ACTIVATOR DEFICIENCY. Identifiers: Orphanet 512, MedGen C0268262, MONDO:0009590, OMIM 249900.

Allele frequency attached by ClinVar (database versions not stated): gnomAD 0.00006; ESP Exome Variant Server 0.00015; ExAC 0.00023; gnomAD exomes 0.00029.

Submissions (4):

Blueprint Genetics
Classification: Uncertain significance. Last evaluated: 2023-11-13. Review status: criteria provided, single submitter. Criteria: ACMG Guidelines, 2015. Collection method: clinical testing. Allele origin: germline.

Baylor Genetics
Classification: Uncertain significance for Combined PSAP deficiency. Last evaluated: 2023-03-01. Review status: criteria provided, single submitter. Criteria: ACMG Guidelines, 2015. Collection method: clinical testing. Allele origin: unknown.

GeneDx
Classification: Uncertain significance. Last evaluated: 2022-11-28. Review status: criteria provided, single submitter. Criteria: GeneDx Variant Classification Process June 2021. Collection method: clinical testing. Allele origin: germline. Affected: yes.
Comment: In silico analysis supports that this missense variant has a deleterious effect on protein structure/function; Has not been previously published as pathogenic or benign to our knowledge

Labcorp Genetics (formerly Invitae), Labcorp
Classification: Uncertain significance for Sphingolipid activator protein 1 deficiency. Last evaluated: 2022-10-24. Review status: criteria provided, single submitter. Criteria: Invitae Variant Classification Sherloc (09022015). Collection method: clinical testing. Allele origin: germline.
Comment: This sequence change replaces proline, which is neutral and non-polar, with leucine, which is neutral and non-polar, at codon 350 of the PSAP protein (p.Pro350Leu). This variant is present in population databases (rs201129306, gnomAD 0.2%). This variant has not been reported in the literature in individuals affected with PSAP-related conditions. ClinVar contains an entry for this variant (Variation ID: 1413486). Advanced modeling of protein sequence and biophysical properties (such as structural, functional, and spatial information, amino acid conservation, physicochemical variation, residue mobility, and thermodynamic stability) performed at Invitae indicates that this missense variant is expected to disrupt PSAP protein function. In summary, the available evidence is currently insufficient to determine the role of this variant in disease. Therefore, it has been classified as a Variant of Uncertain Significance.